The following is an entry in ClinVar:

NM_014714.4(IFT140):c.634+6G>C

Genes: IFT140 (intraflagellar transport 140; minus strand), LOC105371046 (uncharacterized LOC105371046; plus strand). Cytogenetic location: 16p13.3.
Variant type: single nucleotide variant.
Coding change: c.634+6G>C on transcript NM_014714.4 (MANE Select); 6 bases into the intron after coding-DNA position 634, G replaced by C.
Molecular consequence: intron variant.
Genome position (GRCh38, 1-based): chr16:1,592,170, C>G on the plus strand (G>C on the coding strand, the complement: IFT140 is on the minus strand). VCF-style: chr16-1592170-C-G. GRCh37 (hg19) VCF-style: chr16-1642171-C-G.
Identifiers: ClinVar variation 951159 (VCV000951159.8), dbSNP rs368229365, ClinGen allele CA7814639.
Genomic context (GRCh38, chr16:1,592,170, plus strand): 5'-TTAAAATCCCTACCAGACACCCCTAAAATGCTAGGACCCCTGAGAATCACAACCAAAGTT[C>G]CTCACCGTCCATCAGACTGACAAAGAACAACAGCCCCTCGTGAGACCCCATCTTCAGCAA-3'

ClinVar aggregate classification (germline): Conflicting classifications of pathogenicity. Review status: criteria provided, conflicting classifications (1 of 4 stars). 5 submissions from 5 submitters: Uncertain significance (3); Likely benign (2). Last evaluated 2025-11-06.

Conditions:
Saldino-Mainzer syndrome (SRTD9). Also called: SHORT-RIB THORACIC DYSPLASIA 9 WITHOUT POLYDACTYLY; CONORENAL SYNDROME; Renal dysplasia, retinal pigmentary dystrophy, cerebellar ataxia and skeletal dysplasia; short-rib thoracic dysplasia 9 with or without polydactyly. Identifiers: Orphanet 140969, MedGen C1849437, MONDO:0009964, OMIM 266920.
IFT140-related disorder. Also called: IFT140-related condition.
Retinitis pigmentosa 80 (RP80). Identifiers: MedGen C4540439, MONDO:0054708, OMIM 617781.

Allele frequency attached by ClinVar (database versions not stated): gnomAD exomes 0.00001; TOPMed 0.00008; gnomAD 0.00010 and 0.00011; ESP Exome Variant Server 0.00015.
gnomAD v4.1: 28 of 1,614,026 alleles (0.0017%); highest among the groups gnomAD compares: African/African-American, 0.037%; no homozygotes.

Submissions (5):

PreventionGenetics, part of Exact Sciences
Classification: Likely benign for IFT140-related condition. Last evaluated: 2025-11-06. Review status: criteria provided, single submitter. Criteria: ACMG Guidelines, 2015. Collection method: clinical testing. Allele origin: germline.
Comment: This variant is classified as likely benign based on ACMG/AMP sequence variant interpretation guidelines (Richards et al. 2015 PMID: 25741868, with internal and published modifications).

Fulgent Genetics
Classification: Uncertain significance for Saldino-Mainzer syndrome; Retinitis pigmentosa 80. Last evaluated: 2024-01-22. Review status: criteria provided, single submitter. Criteria: ACMG Guidelines, 2015. Collection method: clinical testing. Allele origin: germline.

Women's Health and Genetics/Laboratory Corporation of America, LabCorp
Classification: Uncertain significance. Last evaluated: 2023-05-05. Review status: criteria provided, single submitter. Criteria: LabCorp Variant Classification Summary - May 2015. Collection method: clinical testing. Allele origin: germline.

Blueprint Genetics
Classification: Likely benign. Last evaluated: 2022-12-01. Review status: criteria provided, single submitter. Criteria: ACMG Guidelines, 2015. Collection method: clinical testing. Allele origin: germline.

Labcorp Genetics (formerly Invitae), Labcorp
Classification: Uncertain significance for Saldino-Mainzer syndrome. Last evaluated: 2022-10-13. Review status: criteria provided, single submitter. Criteria: Invitae Variant Classification Sherloc (09022015). Collection method: clinical testing. Allele origin: germline.
Comment: This sequence change falls in intron 6 of the IFT140 gene. It does not directly change the encoded amino acid sequence of the IFT140 protein. It affects a nucleotide within the consensus splice site. This variant is present in population databases (rs368229365, gnomAD 0.04%). This variant has not been reported in the literature in individuals affected with IFT140-related conditions. ClinVar contains an entry for this variant (Variation ID: 951159). Variants that disrupt the consensus splice site are a relatively common cause of aberrant splicing (PMID: 17576681, 9536098). Algorithms developed to predict the effect of sequence changes on RNA splicing suggest that this variant is not likely to affect RNA splicing. In summary, the available evidence is currently insufficient to determine the role of this variant in disease. Therefore, it has been classified as a Variant of Uncertain Significance.

Literature cited by the submitters: PubMed 17576681 (cited by Labcorp Genetics (formerly Invitae), Labcorp); PubMed 9536098 (cited by Labcorp Genetics (formerly Invitae), Labcorp).